The following is an entry in ClinVar:

NM_003590.5(CUL3):c.1360del (p.Asn453_Met454insTer)

Gene: CUL3 (cullin 3; minus strand). Cytogenetic location: 2q36.2.
Variant type: Deletion.
Coding change: c.1360del on transcript NM_003590.5 (MANE Select); coding-DNA position 1360, one base deleted (A; older notation c.1360delA).
Protein change: p.Asn453_Met454insTer.
Molecular consequence: nonsense.
Genome position (GRCh38, 1-based): chr2:224,503,669, T deleted on the plus strand (A on the coding strand, the reverse complement: CUL3 is on the minus strand). VCF-style (leftmost placement, unchanged base first): chr2-224503668-AT-A. GRCh37 (hg19) VCF-style: chr2-225368385-AT-A.
Other names: c.1162del, p.Asn387_Met388insTer (NM_001257197.2); c.1378del, p.Asn459_Met460insTer (NM_001257198.2).
Identifiers: ClinVar variation 2769100 (VCV002769100.3), dbSNP rs2469973914, ClinGen allele CA2697550485.

ClinVar aggregate classification (germline): Pathogenic (1 of 4 stars; one submission).

Submission:

Labcorp Genetics (formerly Invitae), Labcorp
Classification: Pathogenic. Last evaluated: 2023-10-16. Review status: criteria provided, single submitter. Criteria: Invitae Variant Classification Sherloc (09022015). Collection method: clinical testing. Allele origin: germline.
Comment: This sequence change creates a premature translational stop signal (p.Met454*) in the CUL3 gene. It is expected to result in an absent or disrupted protein product. Loss-of-function variants in CUL3 are known to be pathogenic (PMID: 32341456). This variant is not present in population databases (gnomAD no frequency). This variant has not been reported in the literature in individuals affected with CUL3-related conditions. For these reasons, this variant has been classified as Pathogenic.

Literature cited by the submitters: PubMed 32341456.